The following is an entry in ClinVar:

ClinVar aggregate classification (germline): Uncertain significance (1 of 4 stars; one submission).

Allele frequency attached by ClinVar (database versions not stated): gnomAD exomes below 0.00001 and 0.00001; ExAC 0.00001; gnomAD 0.00001; 1000 Genomes Project 30x 0.00016; 1000 Genomes Project 0.00020.

Submission:

Labcorp Genetics (formerly Invitae), Labcorp
Classification: Uncertain significance. Last evaluated: 2023-08-10. Review status: criteria provided, single submitter. Criteria: Invitae Variant Classification Sherloc (09022015). Collection method: clinical testing. Allele origin: germline.
Comment: This sequence change replaces arginine, which is basic and polar, with glutamine, which is neutral and polar, at codon 241 of the PAFAH1B1 protein (p.Arg241Gln). In summary, the available evidence is currently insufficient to determine the role of this variant in disease. Therefore, it has been classified as a Variant of Uncertain Significance. This variant disrupts the p.Arg241 amino acid residue in PAFAH1B1. Other variant(s) that disrupt this residue have been determined to be pathogenic (PMID: 14581661; Invitae). This suggests that this residue is clinically significant, and that variants that disrupt this residue are likely to be disease-causing. An algorithm developed to predict the effect of missense changes on protein structure and function (PolyPhen-2) suggests that this variant is likely to be tolerated. ClinVar contains an entry for this variant (Variation ID: 1367565). This variant has not been reported in the literature in individuals affected with PAFAH1B1-related conditions. This variant is present in population databases (rs121434488, gnomAD 0.0009%).

Literature cited by the submitters: PubMed 14581661.

NM_000430.4(PAFAH1B1):c.722G>A (p.Arg241Gln)

Gene: PAFAH1B1 (platelet activating factor acetylhydrolase 1b regulatory subunit 1; plus strand). Cytogenetic location: 17p13.3.
Variant type: single nucleotide variant.
Coding change: c.722G>A on transcript NM_000430.4 (MANE Select); coding-DNA position 722, G replaced by A.
Protein change: p.Arg241Gln; replaces arginine 241 with glutamine.
Molecular consequence: missense variant.
Genome position (GRCh38, 1-based): chr17:2,674,110, G>A. VCF-style: chr17-2674110-G-A. GRCh37 (hg19) VCF-style: chr17-2577404-G-A.
Other names: short protein forms R241Q.
Identifiers: ClinVar variation 1367565 (VCV001367565.6), dbSNP rs121434488, ClinGen allele CA8283250.
Genomic context (GRCh38, chr17:2,674,110, plus strand): 5'-ATATTGACAGCTACTGTGTGAAGACATTCACAGGACACAGAGAATGGGTACGTATGGTAC[G>A]GCCAAATCAAGATGGCACTCTGATAGCCAGCTGTTCCAATGACCAGACTGTGCGTGTATG-3'
Protein context (NP_000421.1, residues 231-251): TGHREWVRMV[Arg241Gln]PNQDGTLIAS